The following is an entry in ClinVar:

ClinVar aggregate classification (germline): Benign. Review status: criteria provided, multiple submitters, no conflicts (2 of 4 stars). 6 submissions from 6 submitters: Benign (5). 1 of the submissions does not count toward it. Last evaluated 2026-01-28.

Conditions:
Emery-Dreifuss muscular dystrophy 5, autosomal dominant (EDMD5). Also called: EMERY-DREIFUSS MUSCULAR DYSTROPHY 5. Identifiers: Orphanet 261, MedGen C2751805, MONDO:0013072, OMIM 612999.

Allele frequency attached by ClinVar (database versions not stated): gnomAD exomes 0.00197 and 0.00524; ExAC 0.00636; gnomAD 0.02047 and 0.02196; 1000 Genomes Project 0.02117; 1000 Genomes Project 30x 0.02233; ESP Exome Variant Server 0.02337; TOPMed 0.02398.
gnomAD v4.1: 6,126 of 1,614,160 alleles (0.38%); highest among the groups gnomAD compares: African/African-American, 7.3%; 216 homozygotes.

Submissions (6):

Labcorp Genetics (formerly Invitae), Labcorp
Classification: Benign for Emery-Dreifuss muscular dystrophy 5, autosomal dominant. Last evaluated: 2026-01-28. Review status: criteria provided, single submitter. Criteria: Invitae Variant Classification Sherloc (09022015). Collection method: clinical testing. Allele origin: germline.

Athena Diagnostics
Classification: Benign. Last evaluated: 2024-08-01. Review status: criteria provided, single submitter. Criteria: Athena Diagnostics Criteria. Collection method: clinical testing. Allele origin: unknown.

GeneDx
Classification: Benign. Last evaluated: 2019-02-04. Review status: criteria provided, single submitter. Criteria: GeneDx Variant Classification Process June 2021. Collection method: clinical testing. Allele origin: germline. Affected: yes.

Illumina Laboratory Services, Illumina
Classification: Benign for Emery-Dreifuss muscular dystrophy 5, autosomal dominant. Last evaluated: 2018-01-12. Review status: criteria provided, single submitter. Criteria: ICSL Variant Classification Criteria 13 December 2019. Collection method: clinical testing. Allele origin: germline.
Comment: This variant was observed in the ICSL laboratory as part of a predisposition screen in an ostensibly healthy population. It had not been previously curated by ICSL or reported in the Human Gene Mutation Database (HGMD: prior to June 1st, 2018), and was therefore a candidate for classification through an automated scoring system. Utilizing variant allele frequency, disease prevalence and penetrance estimates, and inheritance mode, an automated score was calculated to assess if this variant is too frequent to cause the disease. Based on the score and internal cut-off values, a variant classified as benign is not then subjected to further curation. The score for this variant resulted in a classification of benign for this disease.

Breakthrough Genomics
Classification: Benign. Review status: criteria provided, single submitter. Criteria: ACMG Guidelines, 2015. Collection method: not provided. Allele origin: germline. Inheritance: Autosomal dominant inheritance. Affected: yes.

Genetic Services Laboratory, University of Chicago
Classification: Likely benign for AllHighlyPenetrant. Review status: no assertion criteria provided. Collection method: clinical testing. Allele origin: germline. Inheritance: Autosomal dominant inheritance. Not counted in ClinVar's aggregate classification.
Comment: Likely benign based on allele frequency in 1000 Genomes Project or ESP global frequency and its presence in a patient with a rare or unrelated disease phenotype. NOT Sanger confirmed.

NM_182914.3(SYNE2):c.11385G>A (p.Lys3795=)

Gene: SYNE2 (spectrin repeat containing nuclear envelope protein 2; plus strand). Cytogenetic location: 14q23.2.
Variant type: single nucleotide variant.
Coding change: c.11385G>A on transcript NM_182914.3 (MANE Select); coding-DNA position 11385, G replaced by A.
Protein change: p.Lys3795=; no amino-acid change (lysine 3795 retained).
Molecular consequence: synonymous variant.
Genome position (GRCh38, 1-based): chr14:64,081,481, G>A. VCF-style: chr14-64081481-G-A. GRCh37 (hg19) VCF-style: chr14-64548199-G-A.
Other names: c.11385G>A, p.Lys3795= (NM_015180.6).
Identifiers: ClinVar variation 130458 (VCV000130458.24), dbSNP rs34954189, ClinGen allele CA155506.